The following is an entry in ClinVar:

ClinVar aggregate classification (germline): Uncertain significance. Review status: criteria provided, multiple submitters, no conflicts (2 of 4 stars). 2 submissions from 2 submitters: Uncertain significance (2). Last evaluated 2025-01-01.

Conditions:
Familial thoracic aortic aneurysm and aortic dissection (TAAD). Also called: Thoracic aortic aneurysms and dissections. Identifiers: Orphanet 91387, MedGen C4707243, MONDO:0019625.

gnomAD v4.1: 9 of 1,613,106 alleles (0.00056%); highest among the groups gnomAD compares: Admixed American, 0.0017%; no homozygotes.

Submissions (2):

CeGaT Center for Human Genetics Tuebingen
Classification: Uncertain significance. Last evaluated: 2025-01-01. Review status: criteria provided, single submitter. Criteria: CeGaT Center For Human Genetics Tuebingen Variant Classification Criteria Version 2. Collection method: clinical testing. Allele origin: germline. Affected: yes. Observed: 1 variant allele.
Comment: SKI: PP3

Centre of Medical Genetics, University of Antwerp
Classification: Uncertain significance for Familial thoracic aortic aneurysm and aortic dissection. Last evaluated: 2024-09-06. Review status: criteria provided, single submitter. Criteria: ACMG Guidelines, 2015. Collection method: clinical testing. Allele origin: germline. Affected: yes.

NM_003036.4(SKI):c.1091A>G (p.Asn364Ser)

Gene: SKI (SKI proto-oncogene; plus strand). Cytogenetic location: 1p36.32.
Variant type: single nucleotide variant.
Coding change: c.1091A>G on transcript NM_003036.4 (MANE Select); coding-DNA position 1091, A replaced by G.
Protein change: p.Asn364Ser; replaces asparagine 364 with serine.
Molecular consequence: missense variant.
Genome position (GRCh38, 1-based): chr1:2,303,099, A>G. VCF-style: chr1-2303099-A-G. GRCh37 (hg19) VCF-style: chr1-2234538-A-G.
Other names: short protein forms N364S.
Identifiers: ClinVar variation 3771861 (VCV003771861.14).
Genomic context (GRCh38, chr1:2,303,099, plus strand): 5'-CCGCGCCTTCCGAAAAGGACAAGCCGTCCAGCTGGCTGCGGACCTTGGCCGGCTCTTCCA[A>G]TAAGGTGCTGTGGGGCCTGTCGGGGTCCTTGGGGTGGTGGGTACTGGGCCCTTCTCCTTG-3'
Protein context (NP_003027.1, residues 354-374): SWLRTLAGSS[Asn364Ser]KSLGCVHPRQ